The following is an entry in ClinVar:

NM_000090.4(COL3A1):c.958C>T (p.Arg320Trp)

Gene: COL3A1 (collagen type III alpha 1 chain; plus strand). Cytogenetic location: 2q32.2.
Variant type: single nucleotide variant.
Coding change: c.958C>T on transcript NM_000090.4 (MANE Select); coding-DNA position 958, C replaced by T.
Protein change: p.Arg320Trp; replaces arginine 320 with tryptophan.
Molecular consequence: missense variant.
Genome position (GRCh38, 1-based): chr2:188,992,190, C>T. VCF-style: chr2-188992190-C-T. GRCh37 (hg19) VCF-style: chr2-189856916-C-T.
Other names: short protein forms R320W.
Identifiers: ClinVar variation 919255 (VCV000919255.5), dbSNP rs1386163891, ClinGen allele CA349850084.

ClinVar aggregate classification (germline): Uncertain significance. Review status: criteria provided, multiple submitters, no conflicts (2 of 4 stars). 2 submissions from 2 submitters: Uncertain significance (2). Last evaluated 2024-03-06.

Conditions:
Familial thoracic aortic aneurysm and aortic dissection (TAAD). Also called: Thoracic aortic aneurysms and dissections. Identifiers: Orphanet 91387, MedGen C4707243, MONDO:0019625.
Ehlers-Danlos syndrome, type 4 (EDSVASC). Also called: Ehlers-Danlos Syndrome Type IV; Ehlers-Danlos syndrome vascular type; Ehlers Danlos syndrome, ecchymotic type; Ehlers Danlos syndrome, arterial type; Ehlers Danlos syndrome, Sack-Barabas type. Identifiers: Orphanet 286, MedGen C0268338, MONDO:0017314, OMIM 130050.

Allele frequency attached by ClinVar (database versions not stated): gnomAD exomes below 0.00001.
gnomAD v4.1: 7 of 1,613,794 alleles (0.00043%); highest among the groups gnomAD compares: South Asian, 0.0011%; no homozygotes.

Submissions (2):

Color Diagnostics, LLC DBA Color Health
Classification: Uncertain significance for Familial thoracic aortic aneurysm and aortic dissection. Last evaluated: 2024-03-06. Review status: criteria provided, single submitter. Criteria: ACMG Guidelines, 2015. Collection method: clinical testing. Allele origin: germline.
Comment: This missense variant replaces arginine with tryptophan at codon 320 of the COL3A1 protein. Computational prediction suggests that this variant may have deleterious impact on protein structure and function (internally defined REVEL score threshold >= 0.7, PMID: 27666373). Splice site prediction tools suggest that this variant may not impact RNA splicing. To our knowledge, functional studies have not been reported for this variant. This variant has not been reported in individuals affected with cardiovascular disorders in the literature. This variant has been identified in 1/251392 chromosomes in the general population by the Genome Aggregation Database (gnomAD). The available evidence is insufficient to determine the role of this variant in disease conclusively. Therefore, this variant is classified as a Variant of Uncertain Significance.

All of Us Research Program, National Institutes of Health
Classification: Uncertain significance for Ehlers-Danlos syndrome, type 4. Last evaluated: 2023-08-15. Review status: criteria provided, single submitter. Criteria: ACMG Guidelines, 2015. Collection method: clinical testing. Allele origin: germline. Inheritance: Autosomal dominant inheritance. Observed: 1 variant allele, 1 heterozygote.
Comment: This missense variant replaces arginine with tryptophan at codon 320 of the COL3A1 protein. Computational prediction suggests that this variant may have deleterious impact on protein structure and function (internally defined REVEL score threshold >= 0.7, PMID: 27666373). Splice site prediction tools suggest that this variant may not impact RNA splicing. To our knowledge, functional studies have not been reported for this variant. This variant has not been reported in individuals affected with cardiovascular disorders in the literature. This variant has been identified in 1/251392 chromosomes in the general population by the Genome Aggregation Database (gnomAD). The available evidence is insufficient to determine the role of this variant in disease conclusively. Therefore, this variant is classified as a Variant of Uncertain Significance.

This study involves interpretation of variants in research participants for the purpose of population health screening. Participant phenotype was not available at the time of variant classification. Additional details can be found in publication PMID: 35346344, PMCID: PMC8962531